The following is an entry in ClinVar:

ClinVar aggregate classification (germline): Likely benign (1 of 4 stars; one submission).

Submission:

GeneDx
Classification: Likely benign. Last evaluated: 2017-06-28. Review status: criteria provided, single submitter. Criteria: GeneDx Variant Classification (06012015). Collection method: clinical testing. Allele origin: germline. Affected: yes.
Comment: This variant is considered likely benign or benign based on one or more of the following criteria: it is a conservative change, it occurs at a poorly conserved position in the protein, it is predicted to be benign by multiple in silico algorithms, and/or has population frequency not consistent with disease.

NM_001199107.2(TBC1D24):c.-137GAG[1]

Genes: TBC1D24 (TBC1 domain family member 24; plus strand), LOC130058245 (ATAC-STARR-seq lymphoblastoid silent region 7054; plus strand). Cytogenetic location: 16p13.3.
Variant type: Microsatellite.
Coding change: c.-137GAG[1] on transcript NM_001199107.2 (MANE Select); one copy of the 3-base unit GAG starting at c.-137; the reference has two copies in a row; one copy, 3 bases deleted.
Molecular consequence: 5 prime UTR variant.
Genome position (GRCh38, 1-based): chr16:2,475,152-2,475,154, GAG deleted; deleting any 3 consecutive bases within chr16:2,475,149-2,475,154 gives the same sequence; the position shown is the placement nearest the transcript's 3' end. VCF-style (leftmost placement, unchanged base first): chr16-2475148-TGAG-T. GRCh37 (hg19) VCF-style: chr16-2525149-TGAG-T.
Other names: c.-137GAG[1] (NM_020705.3).
Identifiers: ClinVar variation 516720 (VCV000516720.1), dbSNP rs1010877040, ClinGen allele CA276803556.